The following is an entry in ClinVar:

ClinVar aggregate classification (germline): Benign (1 of 4 stars; one submission).

Conditions:
Von Hippel-Lindau syndrome (VHLS). Also called: Von Hippel-Lindau; von Hippel–Lindau syndrome; VHL syndrome. Identifiers: Orphanet 892, MedGen C0019562, MONDO:0008667, OMIM 193300. Disease mechanism: loss of function.

gnomAD v4.1: 1 of 1,611,832 alleles (0.000062%); highest among the groups gnomAD compares: South Asian, 0.0011%; no homozygotes.

Submission:

Myriad Genetics, Inc.
Classification: Benign for Von Hippel-Lindau syndrome. Last evaluated: 2025-06-13. Review status: criteria provided, single submitter. Criteria: Myriad Autosomal Dominant, Autosomal Recessive and X-Linked Classification Criteria (2023). Collection method: clinical testing. Allele origin: unknown.
Comment: This variant is considered benign. This variant occurs in the non-coding 3' untranslated region of the gene, and is not expected to impact protein function.

NM_000551.4(VHL):c.*9G>A

Genes: VHL (von Hippel-Lindau tumor suppressor; plus strand), LOC107303340 (3p25 von Hippel-Lindau tumor suppressor, E3 ubiquitin protein ligase Alu-mediated recombination region; plus strand). Cytogenetic location: 3p25.3.
Variant type: single nucleotide variant.
Coding change: c.*9G>A on transcript NM_000551.4 (MANE Select); 9 bases downstream of the stop codon, G replaced by A.
Molecular consequence: 3 prime UTR variant. On other transcripts: non-coding transcript variant (1).
Genome position (GRCh38, 1-based): chr3:10,149,974, G>A. VCF-style: chr3-10149974-G-A. GRCh37 (hg19) VCF-style: chr3-10191658-G-A.
Other names: c.*205G>A (NM_001354723.2); c.*9G>A (NM_198156.3).
Identifiers: ClinVar variation 4071340 (VCV004071340.1).
Genomic context (GRCh38, chr3:10,149,974, plus strand): 5'-CCTGGAGCGGCTGACACAGGAGCGCATTGCACATCAACGGATGGGAGATTGAAGATTTCT[G>A]TTGAAACTTACACTGTTTCATCTCAGCTTTTGATGGTACTGATGAGTCTTGATCTAGATA-3'